The following is an entry in ClinVar:

NM_000322.5(PRPH2):c.367C>T (p.Arg123Trp)

Gene: PRPH2 (peripherin 2; minus strand). Cytogenetic location: 6p21.1.
Variant type: single nucleotide variant.
Coding change: c.367C>T on transcript NM_000322.5 (MANE Select); coding-DNA position 367, C replaced by T.
Protein change: p.Arg123Trp; replaces arginine 123 with tryptophan.
Molecular consequence: missense variant.
Genome position (GRCh38, 1-based): chr6:42,721,968, G>A on the plus strand (C>T on the coding strand, the complement: PRPH2 is on the minus strand). VCF-style: chr6-42721968-G-A. GRCh37 (hg19) VCF-style: chr6-42689706-G-A.
Other names: short protein forms R123W.
Identifiers: ClinVar variation 285861 (VCV000285861.27), dbSNP rs563581127, ClinGen allele CA3808629.
Genomic context (GRCh38, chr6:42,721,968, plus strand): 5'-CCCGGTAGTACTTCATGCCGTTCTTGAGCCCTTGGCCCAGGGTGTTCTCCAGCGAGCCCC[G>A]AAGCAGAAAGCAGCAGAGAGCCACAAGGAAGAGGATGATGTTGAAGAGAACACAGATAGC-3'
Protein context (NP_000313.2, residues 113-133): FLVALCCFLL[Arg123Trp]GSLENTLGQG

ClinVar aggregate classification (germline): Conflicting classifications of pathogenicity. Review status: criteria provided, conflicting classifications (1 of 4 stars). 14 submissions from 9 submitters: Pathogenic (1); Likely pathogenic (1); Uncertain significance (11). 1 of the submissions does not count toward it. Last evaluated 2026-07-08.

Conditions:
Patterned macular dystrophy 1. Also called: MACULAR DYSTROPHY, BUTTERFLY-SHAPED PIGMENTARY; BUTTERFLY DYSTROPHY OF RETINAL PIGMENT EPITHELIUM. Identifiers: Orphanet 99001, MedGen C4551999, MONDO:0008210, OMIM 169150.
Pigmentary retinal dystrophy. Also called: Fundus albipunctatus. Identifiers: Orphanet 227796, Orphanet 52427, MedGen C0311338, MONDO:0007639, OMIM 136880, HP:0030642.
PRPH2-related disorder. Also called: PRPH2-related condition; PRPH2-related disorders. Identifiers: MedGen CN239395.
Retinitis pigmentosa (RP). Identifiers: Orphanet 791, MedGen C0035334, MeSH D012174, MONDO:0019200, OMIM 268000. Inheritance: Autosomal dominant, autosomal recessive and X linked inheritance.
Adult-onset foveomacular vitelliform dystrophy. Also called: FOVEOMACULAR DYSTROPHY, ADULT-ONSET; FOVEOMACULAR DYSTROPHY, ADULT-ONSET, WITH OR WITHOUT CHOROIDAL NEOVASCULARIZATION; Adult onset vitelliform dystrophy. Identifiers: Orphanet 99000, MedGen C1842914, MONDO:0011979.
Retinal dystrophy. Also called: Inherited retinal dystrophy. Identifiers: Orphanet 71862, MedGen C0854723, MeSH D058499, MONDO:0019118, HP:0000556.
Choroidal dystrophy, central areolar 2 (CACD2). Also called: MACULAR DYSTROPHY, PROGRESSIVE; Choriodal Dystrophy, Central Areolar 2. Identifiers: Orphanet 75377, MedGen C2751290, MONDO:0013137, OMIM 613105.
Retinitis pigmentosa 7 (RP7). Identifiers: Orphanet 791, MedGen C1842475, MONDO:0011974, OMIM 608133.
Cone-rod dystrophy. Also called: Cone-rod degeneration; Cone/cone-rod dystrophy. Identifiers: Orphanet 1872, MedGen C4085590, MONDO:0015993, HP:0000548.

Allele frequency attached by ClinVar (database versions not stated): TOPMed 0.00006; gnomAD exomes 0.00011 and 0.00018; 1000 Genomes Project 30x 0.00016; gnomAD 0.00018 and 0.00019; 1000 Genomes Project 0.00020; ExAC 0.00020.
gnomAD v4.1: 199 of 1,614,088 alleles (0.012%); highest among the groups gnomAD compares: South Asian, 0.014%; 1 homozygote.

Submissions (14):

PreventionGenetics, part of Exact Sciences
Classification: Uncertain significance for PRPH2-related condition. Last evaluated: 2026-07-08. Review status: criteria provided, single submitter. Criteria: ACMG Guidelines, 2015. Collection method: clinical testing. Allele origin: germline.
Comment: The PRPH2 c.367C>T variant is predicted to result in the amino acid substitution p.Arg123Trp. This variant was reported in individuals with central areolar choroidal dystrophy or retinal disease (see, for example, Renner et al. 2009. PubMed ID: 19038374; supplementary data, Peeters et al. 2021. PubMed ID: 34411390; Lynn et al. 2022. PubMed ID: 36672815). However, this variant is reported in 0.096% of alleles in individuals of European (Finnish) descent in gnomAD, which may be too frequent to be a primary cause of disease. Although we suspect this variant may be benign, the clinical significance of this variant is currently classified as uncertain due to the absence of conclusive functional and genetic evidence.

Labcorp Genetics (formerly Invitae), Labcorp
Classification: Pathogenic for PRPH2-related disorder. Last evaluated: 2025-08-08. Review status: criteria provided, single submitter. Criteria: Invitae Variant Classification Sherloc (09022015). Collection method: clinical testing. Allele origin: germline.
Comment: This sequence change replaces arginine, which is basic and polar, with tryptophan, which is neutral and slightly polar, at codon 123 of the PRPH2 protein (p.Arg123Trp). This variant is present in population databases (rs563581127, gnomAD 0.1%). This missense change has been observed in individuals with autosomal dominant inherited retinal dystrophy (PMID: 16767206, 19038374; internal data). ClinVar contains an entry for this variant (Variation ID: 285861). An algorithm developed to predict the effect of missense changes on protein structure and function outputs the following: PolyPhen-2: "Benign". The tryptophan amino acid residue is found in multiple mammalian species, which suggests that this missense change does not adversely affect protein function. For these reasons, this variant has been classified as Pathogenic.

Blueprint Genetics
Classification: Uncertain significance. Last evaluated: 2024-10-18. Review status: criteria provided, single submitter. Criteria: ACMG Guidelines, 2015. Collection method: clinical testing. Allele origin: germline.

Neuberg Centre For Genomic Medicine, NCGM
Classification: Uncertain significance for Retinitis pigmentosa 7. Last evaluated: 2023-05-20. Review status: criteria provided, single submitter. Criteria: ACMG Guidelines, 2015. Collection method: clinical testing. Allele origin: germline. Inheritance: Autosomal dominant inheritance. Affected: yes.
Comment: The missense c.367C>T (p.Arg123Trp) variant in the PRPH2 gene has been reported previously in patients affected with Retinal pigmentosa (Peeters, Manon H C A et al.,2021). Also, the variant has been reported previously in patients affected withUsher syndrome (Ng, Tsz Kin et al.,2019) and observed in a pair of twins with autosomal dominant inherited retinal dystrophy (Renner, Agnes B et al.,2009). This variant is reported with the allele frequency (0.02%) in the gnomAD Exomes. This variant has been reported to the ClinVar database as Likely Pathogenic/ Pathogenic/Uncertain Significance (multiple submissions). The amino acid Arginine at position 123 is changed to a Trptophan changing protein sequence and it might alter its composition and physico-chemical properties. Multiple lines of computational evidence (SIFT – Damaging and MutationTaster - Disease causing) predict a damaging effect on protein structure and function for this variant.The amino acid change p.Arg123Trp in PRPH2 is predicted as conserved by GERP++ and PhyloP across 100 vertebrates. Additional studies are required to prove the pathogenicity of the variant. For these reasons, this variant has been classified as Uncertain Significance.

Genomic Research Center, Shahid Beheshti University of Medical Sciences
Classification: Uncertain significance for PRPH2-Related Disorders. Last evaluated: 2019-04-27. Review status: criteria provided, single submitter. Criteria: ACMG Guidelines, 2015. Collection method: clinical testing. Allele origin: unknown. Affected: yes.

Illumina Laboratory Services, Illumina
Classification: Uncertain significance for Patterned macular dystrophy 1. Last evaluated: 2017-04-27. Review status: criteria provided, single submitter. Criteria: ICSL Variant Classification Criteria 13 December 2019. Collection method: clinical testing. Allele origin: germline.

Illumina Laboratory Services, Illumina
Classification: Uncertain significance for Retinitis pigmentosa. Last evaluated: 2017-04-27. Review status: criteria provided, single submitter. Criteria: ICSL Variant Classification Criteria 13 December 2019. Collection method: clinical testing. Allele origin: germline.

Illumina Laboratory Services, Illumina
Classification: Uncertain significance for Vitelliform macular dystrophy 3. Last evaluated: 2017-04-27. Review status: criteria provided, single submitter. Criteria: ICSL Variant Classification Criteria 13 December 2019. Collection method: clinical testing. Allele origin: germline.

Illumina Laboratory Services, Illumina
Classification: Uncertain significance for Choroidal dystrophy, central areolar 2. Last evaluated: 2017-04-27. Review status: criteria provided, single submitter. Criteria: ICSL Variant Classification Criteria 13 December 2019. Collection method: clinical testing. Allele origin: germline.

Illumina Laboratory Services, Illumina
Classification: Uncertain significance for Pigmentary retinal dystrophy. Last evaluated: 2017-04-27. Review status: criteria provided, single submitter. Criteria: ICSL Variant Classification Criteria 13 December 2019. Collection method: clinical testing. Allele origin: germline.

Illumina Laboratory Services, Illumina
Classification: Uncertain significance for Cone-rod dystrophy. Last evaluated: 2017-04-27. Review status: criteria provided, single submitter. Criteria: ICSL Variant Classification Criteria 13 December 2019. Collection method: clinical testing. Allele origin: germline.

Eurofins Ntd Llc (ga)
Classification: Uncertain significance. Last evaluated: 2016-01-29. Review status: criteria provided, single submitter. Criteria: EGL Classification Definitions 2015. Collection method: clinical testing. Allele origin: germline. Observed: 1 variant allele, 1 heterozygote.

Institute of Human Genetics, Univ. Regensburg, Univ. Regensburg
Classification: Likely pathogenic for Retinal dystrophy. Last evaluated: 2008-01-01. Review status: criteria provided, single submitter. Criteria: ACMG Guidelines, 2015. Collection method: clinical testing. Allele origin: germline. Affected: yes.

Leiden Open Variation Database
Classification: Likely pathogenic. Last evaluated: 2021-04-06. Review status: no assertion criteria provided. Collection method: curation. Allele origin: germline. Affected: yes. Not counted in ClinVar's aggregate classification.
Comment: Curator: Global Variome, with Curator vacancy. Submitter to LOVD: Manon Peeters.

Literature cited by the submitters: PubMed 16767206 (cited by Labcorp Genetics (formerly Invitae), Labcorp); PubMed 19038374 (cited by 3 submitters); PubMed 34411390 (cited by Institute of Human Genetics, Univ. Regensburg, Univ. Regensburg); PubMed 36672815 (cited by Institute of Human Genetics, Univ. Regensburg, Univ. Regensburg).